The following is an entry in ClinVar:

ClinVar aggregate classification (germline): Conflicting classifications of pathogenicity. Review status: criteria provided, conflicting classifications (1 of 4 stars). 4 submissions from 4 submitters: Uncertain significance (1); Benign (1); Likely benign (1). 1 of the submissions does not count toward it. Last evaluated 2026-05-05.

Conditions:
UBQLN2-related disorder. Also called: UBQLN2-related condition.
Amyotrophic lateral sclerosis type 15. Also called: AMYOTROPHIC LATERAL SCLEROSIS 15 WITH FRONTOTEMPORAL DEMENTIA. Identifiers: Orphanet 803, MedGen C3275459, MONDO:0010459, OMIM 300857.

Submissions (4):

Women's Health and Genetics/Laboratory Corporation of America, LabCorp
Classification: Uncertain significance. Last evaluated: 2026-05-05. Review status: criteria provided, single submitter. Criteria: LabCorp Variant Classification Summary - May 2015. Collection method: clinical testing. Allele origin: germline.
Comment: Variant summary: UBQLN2 c.1500_1508delCATAGGCCC (p.Gly502_Ile504del) results in an in-frame deletion that is predicted to remove 3 amino acids from the encoded protein. The variant allele was found at a frequency of 0.00014 in 164719 control chromosomes. This frequency is not significantly higher than estimated for disease-causing variants in UBQLN2, allowing no conclusion about variant significance. To our knowledge, no occurrence of c.1500_1508delCATAGGCCC in individuals affected with UBQLN2-related conditions and no experimental evidence demonstrating its impact on protein function have been reported. ClinVar contains an entry for this variant (Variation ID: 2024027). Based on the evidence outlined above, the variant was classified as uncertain significance.

Labcorp Genetics (formerly Invitae), Labcorp
Classification: Benign for Amyotrophic lateral sclerosis type 15. Last evaluated: 2025-08-05. Review status: criteria provided, single submitter. Criteria: Invitae Variant Classification Sherloc (09022015). Collection method: clinical testing. Allele origin: germline.

CeGaT Center for Human Genetics Tuebingen
Classification: Likely benign. Last evaluated: 2023-07-01. Review status: criteria provided, single submitter. Criteria: CeGaT Center For Human Genetics Tuebingen Variant Classification Criteria Version 2. Collection method: clinical testing. Allele origin: germline. Affected: yes. Observed: 1 variant allele.
Comment: UBQLN2: BS2

PreventionGenetics, part of Exact Sciences
Classification: Likely benign for UBQLN2-related condition. Last evaluated: 2022-05-03. Review status: no assertion criteria provided. Collection method: clinical testing. Allele origin: germline. Not counted in ClinVar's aggregate classification.
Comment: This variant is classified as likely benign based on ACMG/AMP sequence variant interpretation guidelines (Richards et al. 2015 PMID: 25741868, with internal and published modifications).

NM_013444.4(UBQLN2):c.1491CATAGGCCC[1] (p.499GPI[1])

Gene: UBQLN2 (ubiquilin 2; plus strand). Cytogenetic location: Xp11.21.
Variant type: Microsatellite.
Coding change: c.1491CATAGGCCC[1] on transcript NM_013444.4 (MANE Select); one copy of the 9-base unit CATAGGCCC starting at c.1491; the reference has two copies in a row; one copy, 9 bases deleted.
Protein change: p.499GPI[1].
Molecular consequence: inframe deletion. On other transcripts: inframe indel (1).
Genome position (GRCh38, 1-based): chrX:56,565,373-56,565,381, CATAGGCCC deleted; deleting any 9 consecutive bases within chrX:56,565,361-56,565,381 gives the same sequence; the position shown is the placement nearest the transcript's 3' end. VCF-style (leftmost placement, unchanged base first): chrX-56565360-CCCCCATAGG-C. GRCh37 (hg19) VCF-style: chrX-56591793-CCCCCATAGG-C.
Other names: c.1491_1499CATAGGCCC[1], p.Gly502_Ile504del (NM_013444.3); c.1500_1508delCATAGGCCC (NM_013444.4); c.1500_1508del9 (NM_013444.3).
Identifiers: ClinVar variation 2024027 (VCV002024027.30), dbSNP rs767736498, ClinGen allele CA10430178.
Genomic context (GRCh38, chrX:56,565,360, plus strand): 5'-TCACTCCAGGTGTGGGGGTGGGGGTGCTGGGAACCGCTATAGGCCCTGTAGGCCCAGTCA[CCCCCATAGG>C]CCCCATAGGCCCTATAGTCCCTTTTACCCCCATAGGCCCCATTGGGCCCATAGGACCCAC-3'